The following is an entry in ClinVar:

NM_032444.4(SLX4):c.3451G>A (p.Val1151Ile)

Gene: SLX4 (SLX4 structure-specific endonuclease subunit; minus strand). Cytogenetic location: 16p13.3.
Variant type: single nucleotide variant.
Coding change: c.3451G>A on transcript NM_032444.4 (MANE Select); coding-DNA position 3451, G replaced by A.
Protein change: p.Val1151Ile; replaces valine 1151 with isoleucine.
Molecular consequence: missense variant.
Genome position (GRCh38, 1-based): chr16:3,590,187, C>T on the plus strand (G>A on the coding strand, the complement: SLX4 is on the minus strand). VCF-style: chr16-3590187-C-T. GRCh37 (hg19) VCF-style: chr16-3640188-C-T.
Other names: c.3451G>A (LRG_503t1); short protein forms V1151I.
Identifiers: ClinVar variation 407926 (VCV000407926.9), dbSNP rs1060501796, ClinGen allele CA16614923.

ClinVar aggregate classification (germline): Uncertain significance (1 of 4 stars; one submission).

Conditions:
Fanconi anemia (FA). Also called: Fanconi's anemia. Identifiers: Orphanet 84, MedGen C0015625, MeSH D005199, MONDO:0019391.

Allele frequency attached by ClinVar (database versions not stated): gnomAD exomes below 0.00001; TOPMed below 0.00001.

Submission:

Labcorp Genetics (formerly Invitae), Labcorp
Classification: Uncertain significance for Fanconi anemia. Last evaluated: 2018-09-11. Review status: criteria provided, single submitter. Criteria: Invitae Variant Classification Sherloc (09022015). Collection method: clinical testing. Allele origin: germline.
Comment: In summary, the available evidence is currently insufficient to determine the role of this variant in disease. Therefore, it has been classified as a Variant of Uncertain Significance. Algorithms developed to predict the effect of missense changes on protein structure and function output the following: SIFT: "Tolerated"; PolyPhen-2: "Benign"; Align-GVGD: "Class C0". The isoleucine amino acid residue is found in multiple mammalian species, suggesting that this missense change does not adversely affect protein function. These predictions have not been confirmed by published functional studies and their clinical significance is uncertain. This variant has not been reported in the literature in individuals with SLX4-related disease. ClinVar contains an entry for this variant (Variation ID: 407926). This variant is not present in population databases (ExAC no frequency). This sequence change replaces valine with isoleucine at codon 1151 of the SLX4 protein (p.Val1151Ile). The valine residue is moderately conserved and there is a small physicochemical difference between valine and isoleucine.